The following is an entry in ClinVar:

ClinVar aggregate classification (germline): Likely pathogenic (3 of 4 stars; one submission).

Conditions:
Glanzmann thrombasthenia. Also called: THROMBASTHENIA OF GLANZMANN AND NAEGELI; BLEEDING DISORDER, PLATELET-TYPE, 2; Thrombasthenia; PLATELET GLYCOPROTEIN IIb-IIIa DEFICIENCY; Glanzmann's thrombasthenia. Identifiers: Orphanet 849, MedGen C0040015, MONDO:0100326.

Submission:

ClinGen Platelet Disorders Variant Curation Expert Panel, ClinGen
Classification: Likely pathogenic for Glanzmann thrombasthenia. Last evaluated: 2021-12-21. Review status: reviewed by expert panel. Criteria: ClinGen Platelet ACMG Specifications v2. Collection method: curation. Allele origin: germline. Inheritance: Autosomal recessive inheritance.
Comment: The NM_000419.5:c.2929_2930del (p.Glu979SerfsTer56) variant in ITGA2B is a frameshift variant that may cause a premature stop codon that is predicted to escape nonsense mediated decay, however it leads to alteration of a functionally important region (alters amino acids 979-1034, which includes the transmembrane domain) in a gene where loss-of-function is an established disease mechanism (PVS1_Strong). At least one patient (Proband GT 26 in PMID: 16463284) with this variant displayed mucocutaneous bleeding and impaired aggregation with all agonists except ristocetin, which is highly specific for Glanzmann thrombasthenia (PP4_moderate). This variant is absent from gnomAD v2.1.1 (PM2_Supporting). In summary, this variant meets the criteria to be classified as likely pathogenic for autosomal recessive Glanzmann Thrombasthenia based on the ACMG/AMP criteria applied, as specified by the ClinGen PD VCEP: PVS1_strong, PP4_moderate, and PM2_supporting. (VCEP specifications version 2; date of approval 12/21/2021).

NM_000419.5(ITGA2B):c.2929_2930del (p.Glu979fs)

Gene: ITGA2B (integrin subunit alpha 2b; minus strand). Cytogenetic location: 17q21.31.
Variant type: Deletion.
Coding change: c.2929_2930del on transcript NM_000419.5 (MANE Select); coding-DNA positions 2929 to 2930, 2 bases deleted (CG; older notation c.2929_2930delCG).
Protein change: p.Glu979fs; shifts the reading frame from glutamic acid 979.
Molecular consequence: frameshift variant.
Genome position (GRCh38, 1-based): chr17:44,374,672-44,374,673, CG deleted on the plus strand (CG on the coding strand, the reverse complement: ITGA2B is on the minus strand). VCF-style (leftmost placement, unchanged base first): chr17-44374671-TCG-T. GRCh37 (hg19) VCF-style: chr17-42452039-TCG-T.
Other names: NM_000419.5:c.2929_2930del; short protein forms E979fs.
Identifiers: ClinVar variation 1330312 (VCV001330312.1), dbSNP rs2143428858, ClinGen allele CA915940726.
Genomic context (GRCh38, chr17:44,374,671, plus strand): 5'-ACAATGGGTCCTGCAGGACTGGTCTCTGCTCCATCCCCCCACACTCACCTGAGCTTCCCC[TCG>T]GGGCAGGCTGAGCGGGGGCACCGCATAGGGGAGGGAGGACACGTTGAACCATGCGTGCGA-3'